The following is an entry in ClinVar:

ClinVar aggregate classification (germline): Uncertain significance (1 of 4 stars; one submission).

Submission:

GeneDx
Classification: Uncertain significance. Last evaluated: 2024-10-09. Review status: criteria provided, single submitter. Criteria: GeneDx Variant Classification Process June 2021. Collection method: clinical testing. Allele origin: germline. Affected: yes.
Comment: Not observed at significant frequency in large population cohorts (gnomAD); In silico analysis indicates that this missense variant does not alter protein structure/function; Has not been previously published as pathogenic or benign to our knowledge; In silico analysis is inconclusive as to whether the variant alters gene splicing. In the absence of RNA/functional studies, the actual effect of this sequence change is unknown.

NM_153676.4(USH1C):c.2170A>C (p.Thr724Pro)

Gene: USH1C (USH1 protein network component harmonin; minus strand). Cytogenetic location: 11p15.1.
Variant type: single nucleotide variant.
Coding change: c.2170A>C on transcript NM_153676.4 (MANE Select); coding-DNA position 2170, A replaced by C.
Protein change: p.Thr724Pro; replaces threonine 724 with proline.
Molecular consequence: missense variant. On other transcripts: intron variant (2).
Genome position (GRCh38, 1-based): chr11:17,504,661, T>G on the plus strand (A>C on the coding strand, the complement: USH1C is on the minus strand). VCF-style: chr11-17504661-T-G. GRCh37 (hg19) VCF-style: chr11-17526208-T-G.
Other names: c.1228-2681A>C (NM_001297764.2); c.1285-2681A>C (NM_005709.4); short protein forms T724P.
Identifiers: ClinVar variation 3777429 (VCV003777429.1).